The following is an entry in ClinVar:

NM_080732.4(EGLN2):c.766C>G (p.Leu256Val)

Genes: EGLN2 (egl-9 family hypoxia inducible factor 2; plus strand), RAB4B-EGLN2 (RAB4B-EGLN2 readthrough (NMD candidate); plus strand). Cytogenetic location: 19q13.2.
Variant type: single nucleotide variant.
Coding change: c.766C>G on transcript NM_080732.4 (MANE Select); coding-DNA position 766, C replaced by G.
Protein change: p.Leu256Val; replaces leucine 256 with valine.
Molecular consequence: missense variant. On other transcripts: non-coding transcript variant (1).
Genome position (GRCh38, 1-based): chr19:40,801,338, C>G. VCF-style: chr19-40801338-C-G. GRCh37 (hg19) VCF-style: chr19-41307243-C-G.
Other names: c.766C>G, p.Leu256Val (NM_053046.4); short protein forms L256V.
Identifiers: ClinVar variation 1760057 (VCV001760057.2), dbSNP rs2515995550, ClinGen allele CA405955933.

ClinVar aggregate classification (germline): Uncertain significance (1 of 4 stars; one submission).

Submission:

Ambry Genetics
Classification: Uncertain significance. Last evaluated: 2021-08-24. Review status: criteria provided, single submitter. Criteria: Ambry Variant Classification Scheme 2023. Collection method: clinical testing. Allele origin: germline.
Comment: The p.L256V variant (also known as c.766C>G), located in coding exon 1 of the EGLN2 gene, results from a C to G substitution at nucleotide position 766. The leucine at codon 256 is replaced by valine, an amino acid with highly similar properties. This amino acid position is conserved. In addition, the in silico prediction for this alteration is inconclusive. Since supporting evidence is limited at this time, the clinical significance of this alteration remains unclear.